The following is an entry in ClinVar:

NM_005144.5(HR):c.1583A>G (p.Gln528Arg)

Gene: HR (HR lysine demethylase and nuclear receptor corepressor; minus strand). Cytogenetic location: 8p21.3.
Variant type: single nucleotide variant.
Coding change: c.1583A>G on transcript NM_005144.5 (MANE Select); coding-DNA position 1583, A replaced by G.
Protein change: p.Gln528Arg; replaces glutamine 528 with arginine.
Molecular consequence: missense variant.
Genome position (GRCh38, 1-based): chr8:22,125,478, T>C on the plus strand (A>G on the coding strand, the complement: HR is on the minus strand). VCF-style: chr8-22125478-T-C. GRCh37 (hg19) VCF-style: chr8-21982991-T-C.
Other names: c.1583A>G, p.Gln528Arg (NM_018411.4); short protein forms Q528R.
Identifiers: ClinVar variation 362510 (VCV000362510.15), dbSNP rs74596676, ClinGen allele CA4662405.

ClinVar aggregate classification (germline): Benign. Review status: criteria provided, multiple submitters, no conflicts (2 of 4 stars). 5 submissions from 4 submitters: Benign (5). Last evaluated 2026-01-28.

Conditions:
Atrichia with papular lesions (APL). Also called: PAPULAR ATRICHIA. Identifiers: Orphanet 86819, MedGen C1859592, MONDO:0008847, OMIM 209500.
Alopecia universalis congenita (ALUNC). Also called: ATRICHIA, GENERALIZED. Identifiers: Orphanet 701, MedGen C1859877, MONDO:0008757, OMIM 203655.

Allele frequency attached by ClinVar (database versions not stated): 1000 Genomes Project 0.04473; 1000 Genomes Project 30x 0.04575; TOPMed 0.06459; gnomAD exomes 0.06847 and 0.08035; gnomAD 0.07010 and 0.07210; ExAC 0.07101; ESP Exome Variant Server 0.07658.

Submissions (5):

Labcorp Genetics (formerly Invitae), Labcorp
Classification: Benign. Last evaluated: 2026-01-28. Review status: criteria provided, single submitter. Criteria: Invitae Variant Classification Sherloc (09022015). Collection method: clinical testing. Allele origin: germline.

GeneDx
Classification: Benign. Last evaluated: 2021-06-09. Review status: criteria provided, single submitter. Criteria: GeneDx Variant Classification Process June 2021. Collection method: clinical testing. Allele origin: germline. Affected: yes.

Illumina Laboratory Services, Illumina
Classification: Benign for Alopecia universalis congenita. Last evaluated: 2018-01-13. Review status: criteria provided, single submitter. Criteria: ICSL Variant Classification Criteria 13 December 2019. Collection method: clinical testing. Allele origin: germline.
Comment: This variant was observed in the ICSL laboratory as part of a predisposition screen in an ostensibly healthy population. It had not been previously curated by ICSL or reported in the Human Gene Mutation Database (HGMD: prior to June 1st, 2018), and was therefore a candidate for classification through an automated scoring system. Utilizing variant allele frequency, disease prevalence and penetrance estimates, and inheritance mode, an automated score was calculated to assess if this variant is too frequent to cause the disease. Based on the score and internal cut-off values, a variant classified as benign is not then subjected to further curation. The score for this variant resulted in a classification of benign for this disease.

Illumina Laboratory Services, Illumina
Classification: Benign for Atrichia with papular lesions. Last evaluated: 2018-01-13. Review status: criteria provided, single submitter. Criteria: ICSL Variant Classification Criteria 13 December 2019. Collection method: clinical testing. Allele origin: germline.
Comment: the same text as in the submission from Illumina Laboratory Services, Illumina above.

Breakthrough Genomics
Classification: Benign. Review status: criteria provided, single submitter. Criteria: ACMG Guidelines, 2015. Collection method: not provided. Allele origin: germline. Inheritance: Autosomal recessive inheritance. Affected: yes.